The following is an entry in ClinVar:

NM_001164508.2(NEB):c.10519C>T (p.Pro3507Ser)

Gene: NEB (nebulin; minus strand). Cytogenetic location: 2q23.3.
Variant type: single nucleotide variant.
Coding change: c.10519C>T on transcript NM_001164508.2 (MANE Select); coding-DNA position 10519, C replaced by T.
Protein change: p.Pro3507Ser; replaces proline 3507 with serine.
Molecular consequence: missense variant.
Genome position (GRCh38, 1-based): chr2:151,620,960, G>A on the plus strand (C>T on the coding strand, the complement: NEB is on the minus strand). VCF-style: chr2-151620960-G-A. GRCh37 (hg19) VCF-style: chr2-152477474-G-A.
Other names: c.9790C>T (NM_004543.4); c.10519C>T, p.Pro3507Ser (NM_001164507.2, NM_001271208.2); c.9790C>T, p.Pro3264Ser (NM_004543.5); short protein forms P3264S, P3507S.
Identifiers: ClinVar variation 2006320 (VCV002006320.4), dbSNP rs1286006743, ClinGen allele CA348789234.

ClinVar aggregate classification (germline): Uncertain significance. Review status: criteria provided, multiple submitters, no conflicts (2 of 4 stars). 3 submissions from 3 submitters: Uncertain significance (3). Last evaluated 2025-03-17.

Conditions:
Inborn genetic diseases. Identifiers: MedGen C0950123, MeSH D030342.
Nemaline myopathy 2 (NEM2). Also called: Nemaline myopathy 2, autosomal recessive. Identifiers: MedGen C1850569, MONDO:0009725, OMIM 256030.

Allele frequency attached by ClinVar (database versions not stated): TOPMed below 0.00001; gnomAD exomes below 0.00001.
gnomAD v4.1: 1 of 1,612,962 alleles (0.000062%); highest among the groups gnomAD compares: Admixed American, 0.0017%; no homozygotes.

Submissions (3):

Labcorp Genetics (formerly Invitae), Labcorp
Classification: Uncertain significance for Nemaline myopathy 2. Last evaluated: 2025-03-17. Review status: criteria provided, single submitter. Criteria: Invitae Variant Classification Sherloc (09022015). Collection method: clinical testing. Allele origin: germline.
Comment: This sequence change replaces proline, which is neutral and non-polar, with serine, which is neutral and polar, at codon 3507 of the NEB protein (p.Pro3507Ser). This variant is present in population databases (no rsID available, gnomAD 0.003%). This variant has not been reported in the literature in individuals affected with NEB-related conditions. ClinVar contains an entry for this variant (Variation ID: 2006320). An algorithm developed to predict the effect of missense changes on protein structure and function outputs the following: PolyPhen-2: "Not Available". The serine amino acid residue is found in multiple mammalian species, which suggests that this missense change does not adversely affect protein function. In summary, the available evidence is currently insufficient to determine the role of this variant in disease. Therefore, it has been classified as a Variant of Uncertain Significance.

Ambry Genetics
Classification: Uncertain significance for Inborn genetic diseases. Last evaluated: 2025-03-01. Review status: criteria provided, single submitter. Criteria: Ambry Variant Classification Scheme 2023. Collection method: clinical testing. Allele origin: germline.

Revvity Omics, Revvity
Classification: Uncertain significance. Last evaluated: 2024-10-02. Review status: criteria provided, single submitter. Criteria: ACMG Guidelines, 2015. Collection method: clinical testing. Allele origin: germline.